The following is an entry in ClinVar:

NM_014974.3(DIP2C):c.278C>T (p.Thr93Met)

Gene: DIP2C (DIP2 acetate--CoA ligase C (putative); minus strand). Cytogenetic location: 10p15.3.
Variant type: single nucleotide variant.
Coding change: c.278C>T on transcript NM_014974.3 (MANE Select); coding-DNA position 278, C replaced by T.
Protein change: p.Thr93Met; replaces threonine 93 with methionine.
Molecular consequence: missense variant.
Genome position (GRCh38, 1-based): chr10:440,987, G>A on the plus strand (C>T on the coding strand, the complement: DIP2C is on the minus strand). VCF-style: chr10-440987-G-A. GRCh37 (hg19) VCF-style: chr10-486927-G-A.
Other names: short protein forms T93M.
Identifiers: ClinVar variation 3502067 (VCV003502067.2).
Genomic context (GRCh38, chr10:440,987, plus strand): 5'-GGCATAGGCACTGCCATCTTCCGCTCTTTGTGTTTGGCCAGAGCCGCCTGGACAGCTTCC[G>A]TGTGGACGTCTGAAACGGAGAGAGCTCAGTCACTCAGTGCTCAGCTGAGGTCCCAGAGGC-3'
Protein context (NP_055789.1, residues 83-103): RDERYRSDVH[Thr93Met]EAVQAALAKH

ClinVar aggregate classification (germline): Uncertain significance. Review status: criteria provided, multiple submitters, no conflicts (2 of 4 stars). 2 submissions from 2 submitters: Uncertain significance (2). Last evaluated 2025-03-30.

Conditions:
Inborn genetic diseases. Identifiers: MedGen C0950123, MeSH D030342.

gnomAD v4.1: 8 of 1,612,810 alleles (0.0005%); highest among the groups gnomAD compares: Admixed American, 0.0017%; no homozygotes.

Submissions (2):

Labcorp Genetics (formerly Invitae), Labcorp
Classification: Uncertain significance. Last evaluated: 2025-03-30. Review status: criteria provided, single submitter. Criteria: Invitae Variant Classification Sherloc (09022015). Collection method: clinical testing. Allele origin: germline.
Comment: This sequence change replaces threonine, which is neutral and polar, with methionine, which is neutral and non-polar, at codon 93 of the DIP2C protein (p.Thr93Met). This variant is present in population databases (rs764285130, gnomAD 0.006%). This variant has not been reported in the literature in individuals affected with DIP2C-related conditions. ClinVar contains an entry for this variant (Variation ID: 3502067). An algorithm developed to predict the effect of missense changes on protein structure and function (PolyPhen-2) suggests that this variant is likely to be disruptive. In summary, the available evidence is currently insufficient to determine the role of this variant in disease. Therefore, it has been classified as a Variant of Uncertain Significance.

Ambry Genetics
Classification: Uncertain significance for Inborn genetic diseases. Last evaluated: 2024-11-13. Review status: criteria provided, single submitter. Criteria: Ambry Variant Classification Scheme 2023. Collection method: clinical testing. Allele origin: germline.